The following is an entry in ClinVar:

ClinVar aggregate classification (germline): Uncertain significance (1 of 4 stars; one submission).

Conditions:
Immunodeficiency 104. Also called: SCID, AUTOSOMAL RECESSIVE, T CELL-NEGATIVE, B CELL-POSITIVE, NK CELL-POSITIVE; Severe Combined Immune Deficiency, Autosomal Recessive, TCell -Negative, B Cell-Positive, NK Cell-Positive, IL7R-Related; IMMUNODEFICIENCY 104, SEVERE COMBINED; Severe combined immunodeficiency, autosomal recessive, T cell-negative, B cell-positive, NK cell-positive. Identifiers: MedGen C5676890, MONDO:0012163, OMIM 608971.

Allele frequency attached by ClinVar (database versions not stated): 1000 Genomes Project 30x 0.00016.
gnomAD v4.1: 2 of 1,613,460 alleles (0.00012%); highest among the groups gnomAD compares: East Asian, 0.0022%; no homozygotes.

Submission:

Baylor Genetics
Classification: Uncertain significance for Immunodeficiency 104. Last evaluated: 2019-03-25. Review status: criteria provided, single submitter. Criteria: ACMG Guidelines, 2015. Collection method: clinical testing. Allele origin: paternal. Affected: yes.
Comment: This variant was determined to be of uncertain significance according to ACMG Guidelines, 2015 [PMID:25741868].

NM_002838.5(PTPRC):c.3832G>C (p.Ala1278Pro)

Gene: PTPRC (protein tyrosine phosphatase receptor type C; plus strand). Cytogenetic location: 1q32.1.
Variant type: single nucleotide variant.
Coding change: c.3832G>C on transcript NM_002838.5 (MANE Select); coding-DNA position 3832, G replaced by C.
Protein change: p.Ala1278Pro; replaces alanine 1278 with proline.
Molecular consequence: missense variant.
Genome position (GRCh38, 1-based): chr1:198,756,092, G>C. VCF-style: chr1-198756092-G-C. GRCh37 (hg19) VCF-style: chr1-198725221-G-C.
Other names: c.3349G>C, p.Ala1117Pro (NM_080921.4); short protein forms A1278P, A1117P.
Identifiers: ClinVar variation 1029484 (VCV001029484.1), dbSNP rs201641820, ClinGen allele CA344056267.
Genomic context (GRCh38, chr1:198,756,092, plus strand): 5'-GATGCTAATTGTGTTAATCCACTTGGTGCCCCAGAAAAGCTCCCTGAAGCAAAGGAACAG[G>C]CTGAAGGTTCTGAACCCACGAGTGGCACTGAGGGGCCAGAACATTCTGTCAATGGTCCTG-3'
Protein context (NP_002829.3, residues 1268-1288): PEKLPEAKEQ[Ala1278Pro]EGSEPTSGTE